The following is an entry in ClinVar:

NM_000179.3(MSH6):c.1067G>C (p.Gly356Ala)

Gene: MSH6 (mutS homolog 6; plus strand). Cytogenetic location: 2p16.3.
Variant type: single nucleotide variant.
Coding change: c.1067G>C on transcript NM_000179.3 (MANE Select); coding-DNA position 1067, G replaced by C.
Protein change: p.Gly356Ala; replaces glycine 356 with alanine.
Molecular consequence: missense variant.
Genome position (GRCh38, 1-based): chr2:47,799,050, G>C. VCF-style: chr2-47799050-G-C. GRCh37 (hg19) VCF-style: chr2-48026189-G-C.
Other names: c.677G>C, p.Gly226Ala (NM_001281492.2); c.161G>C, p.Gly54Ala (NM_001281493.2, NM_001281494.2); short protein forms G356A, G226A, G54A.
Identifiers: ClinVar variation 491866 (VCV000491866.9), dbSNP rs776170146, ClinGen allele CA067098.

ClinVar aggregate classification (germline): Conflicting classifications of pathogenicity. Review status: criteria provided, conflicting classifications (1 of 4 stars). 4 submissions from 4 submitters: Uncertain significance (3); Likely benign (1). Last evaluated 2025-11-05.

Conditions:
Hereditary nonpolyposis colorectal neoplasms. Identifiers: MedGen C0009405, MeSH D003123.
Hereditary cancer-predisposing syndrome. Also called: Tumor predisposition; Hereditary Cancer Syndrome; Neoplastic Syndromes, Hereditary; Hereditary neoplastic syndrome. Identifiers: Orphanet 140162, MedGen C0027672, MeSH D009386, MONDO:0015356.

Allele frequency attached by ClinVar (database versions not stated): gnomAD exomes 0.00001; ExAC 0.00002.
gnomAD v4.1: 3 of 1,614,198 alleles (0.00019%); highest among the groups gnomAD compares: Non-Finnish European, 0.00025%; no homozygotes.

Submissions (4):

Labcorp Genetics (formerly Invitae), Labcorp
Classification: Likely benign for Hereditary nonpolyposis colorectal neoplasms. Last evaluated: 2025-11-05. Review status: criteria provided, single submitter. Criteria: Invitae Variant Classification Sherloc (09022015). Collection method: clinical testing. Allele origin: germline.

Color Diagnostics, LLC DBA Color Health
Classification: Uncertain significance for Hereditary cancer-predisposing syndrome. Last evaluated: 2023-12-05. Review status: criteria provided, single submitter. Criteria: ACMG Guidelines, 2015. Collection method: clinical testing. Allele origin: germline.
Comment: This missense variant replaces glycine with alanine at codon 356 of the MSH6 protein. Computational prediction suggests that this variant may not impact protein structure and function (internally defined REVEL score threshold <= 0.5, PMID: 27666373). To our knowledge, functional studies have not been reported for this variant. This variant has not been reported in individuals affected with MSH6-related disorders in the literature. This variant has been identified in 2/251180 chromosomes in the general population by the Genome Aggregation Database (gnomAD). The available evidence is insufficient to determine the role of this variant in disease conclusively. Therefore, this variant is classified as a Variant of Uncertain Significance.

Ambry Genetics
Classification: Uncertain significance for Hereditary cancer-predisposing syndrome. Last evaluated: 2023-10-20. Review status: criteria provided, single submitter. Criteria: Ambry Variant Classification Scheme 2023. Collection method: clinical testing. Allele origin: germline.
Comment: The p.G356A variant (also known as c.1067G>C), located in coding exon 4 of the MSH6 gene, results from a G to C substitution at nucleotide position 1067. The glycine at codon 356 is replaced by alanine, an amino acid with similar properties. This amino acid position is not well conserved in available vertebrate species. In addition, this alteration is predicted to be tolerated by in silico analysis. Since supporting evidence is limited at this time, the clinical significance of this alteration remains unclear.

Blueprint Genetics
Classification: Uncertain significance. Last evaluated: 2019-08-29. Review status: criteria provided, single submitter. Criteria: ACMG Guidelines, 2015. Collection method: clinical testing. Allele origin: germline.